The following is an entry in ClinVar:

ClinVar aggregate classification (germline): Uncertain significance (1 of 4 stars; one submission).

Submission:

GeneDx
Classification: Uncertain significance. Last evaluated: 2024-05-29. Review status: criteria provided, single submitter. Criteria: GeneDx Variant Classification Process June 2021. Collection method: clinical testing. Allele origin: germline. Affected: yes.
Comment: Not observed at significant frequency in large population cohorts (gnomAD); In silico analysis indicates that this missense variant does not alter protein structure/function; Has not been previously published as pathogenic or benign to our knowledge

NM_005121.3(MED13):c.830T>G (p.Ile277Ser)

Gene: MED13 (mediator complex subunit 13; minus strand). Cytogenetic location: 17q23.2.
Variant type: single nucleotide variant.
Coding change: c.830T>G on transcript NM_005121.3 (MANE Select); coding-DNA position 830, T replaced by G.
Protein change: p.Ile277Ser; replaces isoleucine 277 with serine.
Molecular consequence: missense variant.
Genome position (GRCh38, 1-based): chr17:62,031,623, A>C on the plus strand (T>G on the coding strand, the complement: MED13 is on the minus strand). VCF-style: chr17-62031623-A-C. GRCh37 (hg19) VCF-style: chr17-60108984-A-C.
Other names: short protein forms I277S.
Identifiers: ClinVar variation 3384419 (VCV003384419.1).